The following is an entry in ClinVar:

ClinVar aggregate classification (germline): Uncertain significance (1 of 4 stars; one submission).

Conditions:
Ullrich congenital muscular dystrophy 2 (UCMD2). Identifiers: Orphanet 75840, MedGen C4225314, MONDO:0014654, OMIM 616470.
Bethlem myopathy 2 (BTHLM2). Identifiers: Orphanet 536516, Orphanet 610, MedGen C4225313, MONDO:0034022, OMIM 616471.

Allele frequency attached by ClinVar (database versions not stated): gnomAD exomes below 0.00001; ExAC 0.00001.
gnomAD v4.1: 2 of 1,613,370 alleles (0.00012%); highest among the groups gnomAD compares: East Asian, 0.0022%; no homozygotes.

Submission:

Labcorp Genetics (formerly Invitae), Labcorp
Classification: Uncertain significance for Bethlem myopathy 2; Ullrich congenital muscular dystrophy 2. Last evaluated: 2024-06-30. Review status: criteria provided, single submitter. Criteria: Invitae Variant Classification Sherloc (09022015). Collection method: clinical testing. Allele origin: germline.
Comment: This sequence change replaces aspartic acid, which is acidic and polar, with glutamic acid, which is acidic and polar, at codon 1349 of the COL12A1 protein (p.Asp1349Glu). This variant is present in population databases (rs770184391, gnomAD 0.0009%). This variant has not been reported in the literature in individuals affected with COL12A1-related conditions. ClinVar contains an entry for this variant (Variation ID: 1958860). Advanced modeling of protein sequence and biophysical properties (such as structural, functional, and spatial information, amino acid conservation, physicochemical variation, residue mobility, and thermodynamic stability) performed at Invitae indicates that this missense variant is not expected to disrupt COL12A1 protein function with a negative predictive value of 80%. In summary, the available evidence is currently insufficient to determine the role of this variant in disease. Therefore, it has been classified as a Variant of Uncertain Significance.

NM_004370.6(COL12A1):c.4047T>A (p.Asp1349Glu)

Gene: COL12A1 (collagen type XII alpha 1 chain; minus strand). Cytogenetic location: 6q13.
Variant type: single nucleotide variant.
Coding change: c.4047T>A on transcript NM_004370.6 (MANE Select); coding-DNA position 4047, T replaced by A.
Protein change: p.Asp1349Glu; replaces aspartic acid 1349 with glutamic acid.
Molecular consequence: missense variant.
Genome position (GRCh38, 1-based): chr6:75,151,241, A>T on the plus strand (T>A on the coding strand, the complement: COL12A1 is on the minus strand). VCF-style: chr6-75151241-A-T. GRCh37 (hg19) VCF-style: chr6-75860957-A-T.
Other names: c.555T>A, p.Asp185Glu (NM_080645.3); short protein forms D185E, D1349E.
Identifiers: ClinVar variation 1958860 (VCV001958860.5), dbSNP rs770184391, ClinGen allele CA3893551.
Genomic context (GRCh38, chr6:75,151,241, plus strand): 5'-ATCCACTATCCTGGAGAGTGACTCAAAATCTGCCACATTGTATGCATGGGTATCATCAGG[A>T]TCAGTTGCAATCATCTTTAATTCGACTTCATCAGCATTTTTAATACCTTCAAAAACGGAT-3'
Protein context (NP_004361.3, residues 1339-1359): DEVELKMIAT[Asp1349Glu]PDDTHAYNVA